The following is an entry in ClinVar:

NM_014476.6(PDLIM3):c.364C>T (p.Arg122Trp)

Genes: PDLIM3 (PDZ and LIM domain 3; minus strand), LOC126807246 (BRD4-independent group 4 enhancer GRCh37_chr4:186434842-186436041; plus strand). Cytogenetic location: 4q35.1.
Variant type: single nucleotide variant.
Coding change: c.364C>T on transcript NM_014476.6 (MANE Select); coding-DNA position 364, C replaced by T.
Protein change: p.Arg122Trp; replaces arginine 122 with tryptophan.
Molecular consequence: missense variant. On other transcripts: intron variant (1).
Genome position (GRCh38, 1-based): chr4:185,514,304, G>A on the plus strand (C>T on the coding strand, the complement: PDLIM3 is on the minus strand). VCF-style: chr4-185514304-G-A. GRCh37 (hg19) VCF-style: chr4-186435458-G-A.
Other names: c.364C>T, p.Arg122Trp (NM_001257962.2); c.127C>T, p.Arg43Trp (NM_001257963.2); c.518+399C>T (NM_001114107.5); short protein forms R43W, R122W.
Identifiers: ClinVar variation 1733591 (VCV001733591.6), dbSNP rs755359056, ClinGen allele CA3159806.
Genomic context (GRCh38, chr4:185,514,304, plus strand): 5'-AACTCCACAGTCTCAGCGCTTATGACCTGCTTCGGCCCGGGATCACGAAAGGTTTGGGCC[G>A]AATATTATGCTTGTGTTCAAAGTAGTTCCCGTCCTGTGAAAACAAAGCGTTAAAAAGGCC-3'
Protein context (NP_055291.2, residues 112-132): GNYFEHKHNI[Arg122Trp]PKPFVIPGRS

ClinVar aggregate classification (germline): Uncertain significance. Review status: criteria provided, multiple submitters, no conflicts (2 of 4 stars). 2 submissions from 2 submitters: Uncertain significance (2). Last evaluated 2025-07-14.

Conditions:
Hypertrophic cardiomyopathy. Also called: HYPERTROPHIC MYOCARDIOPATHY. Identifiers: Orphanet 217569, MedGen C0007194, MeSH D002312, MONDO:0005045, HP:0001639.
Primary dilated cardiomyopathy (DCM). Also called: Dilated Cardiomyopathy. Identifiers: Orphanet 217604, MedGen C0007193, MeSH D002311, MONDO:0005021, HP:0001644. Inheritance: Various modes of inheritance.

Allele frequency attached by ClinVar (database versions not stated): TOPMed 0.00001; ExAC 0.00003.
gnomAD v4.1: 19 of 1,614,186 alleles (0.0012%); highest among the groups gnomAD compares: Admixed American, 0.0067%; no homozygotes.

Submissions (2):

Ambry Genetics
Classification: Uncertain significance. Last evaluated: 2025-07-14. Review status: criteria provided, single submitter. Criteria: Ambry Variant Classification Scheme 2023. Collection method: clinical testing. Allele origin: germline.

Labcorp Genetics (formerly Invitae), Labcorp
Classification: Uncertain significance for Hypertrophic cardiomyopathy; Primary dilated cardiomyopathy. Last evaluated: 2023-10-25. Review status: criteria provided, single submitter. Criteria: Invitae Variant Classification Sherloc (09022015). Collection method: clinical testing. Allele origin: germline.
Comment: This sequence change replaces arginine, which is basic and polar, with tryptophan, which is neutral and slightly polar, at codon 122 of the PDLIM3 protein (p.Arg122Trp). This variant is present in population databases (rs755359056, gnomAD 0.01%). This variant has not been reported in the literature in individuals affected with PDLIM3-related conditions. ClinVar contains an entry for this variant (Variation ID: 1733591). An algorithm developed to predict the effect of missense changes on protein structure and function (PolyPhen-2) suggests that this variant is likely to be disruptive. Algorithms developed to predict the effect of sequence changes on RNA splicing suggest that this variant may disrupt the consensus splice site. In summary, the available evidence is currently insufficient to determine the role of this variant in disease. Therefore, it has been classified as a Variant of Uncertain Significance.